The following is an entry in ClinVar:

ClinVar aggregate classification (germline): Uncertain significance (1 of 4 stars; one submission).

Conditions:
Rhabdoid tumor predisposition syndrome 2 (RTPS2). Identifiers: Orphanet 231108, Orphanet 69077, MedGen C2750074, MONDO:0013224, OMIM 613325.

Submission:

Labcorp Genetics (formerly Invitae), Labcorp
Classification: Uncertain significance for Rhabdoid tumor predisposition syndrome 2. Last evaluated: 2025-08-13. Review status: criteria provided, single submitter. Criteria: Invitae Variant Classification Sherloc (09022015). Collection method: clinical testing. Allele origin: germline.
Comment: This sequence change replaces glutamic acid, which is acidic and polar, with aspartic acid, which is acidic and polar, at codon 1311 of the SMARCA4 protein (p.Glu1311Asp). This variant is not present in population databases (gnomAD no frequency). This variant has not been reported in the literature in individuals affected with SMARCA4-related conditions. Invitae Evidence Modeling of protein sequence and biophysical properties (such as structural, functional, and spatial information, amino acid conservation, physicochemical variation, residue mobility, and thermodynamic stability) indicates that this missense variant is not expected to disrupt SMARCA4 protein function with a negative predictive value of 95%. In summary, the available evidence is currently insufficient to determine the role of this variant in disease. Therefore, it has been classified as a Variant of Uncertain Significance.

NM_003072.5(SMARCA4):c.3933G>C (p.Glu1311Asp)

Gene: SMARCA4 (SWI/SNF related BAF chromatin remodeling complex subunit ATPase 4; plus strand). Cytogenetic location: 19p13.2.
Variant type: single nucleotide variant.
Coding change: c.3933G>C on transcript NM_003072.5 (MANE Select); coding-DNA position 3933, G replaced by C.
Protein change: p.Glu1311Asp; replaces glutamic acid 1311 with aspartic acid.
Molecular consequence: missense variant. On other transcripts: non-coding transcript variant (1).
Genome position (GRCh38, 1-based): chr19:11,034,182, G>C. VCF-style: chr19-11034182-G-C. GRCh37 (hg19) VCF-style: chr19-11144858-G-C.
Other names: c.3933G>C, p.Glu1311Asp (NM_001128844.3, NM_001128849.3, NM_001387283.1); c.3834G>C, p.Glu1278Asp (NM_001128845.2, NM_001128846.2, NM_001128847.4 and 3 more transcripts); short protein forms E1278D, E1311D.
Identifiers: ClinVar variation 4802585 (VCV004802585.1).